The following is an entry in ClinVar:

ClinVar aggregate classification (germline): Pathogenic (1 of 4 stars; one submission).

Conditions:
Polycystic kidney disease, adult type (PKD1). Also called: Polycystic Kidney, Autosomal Dominant; POLYCYSTIC KIDNEY DISEASE, ADULT, TYPE I; Polycystic Kidney Disease 1, Autosomal Dominant; Polycystic kidney disease 1; Polycystic kidney disease 1, severe; POLYCYSTIC KIDNEY DISEASE 1 WITH OR WITHOUT POLYCYSTIC LIVER DISEASE. Identifiers: MedGen C3149841, MONDO:0008263, OMIM 173900.

Submission:

Juno Genomics, Hangzhou Juno Genomics, Inc
Classification: Pathogenic for Polycystic kidney disease, adult type. Review status: criteria provided, single submitter. Criteria: ACMG Guidelines, 2015. Collection method: clinical testing. Allele origin: germline. Affected: yes.
Comment: Absent from controls (or at extremely low frequency if recessive) in Genome Aggregation Database.;Null variant in a gene where loss of function (LOF) is a known mechanism of disease.;The prevalence of the variant in affected individuals is significantly increased compared to the prevalence in controls.;Patient's phenotype or family history is highly specific for a disease with a single genetic etiology.

NM_001009944.3(PKD1):c.735_736insCTTG (p.Ser246fs)

Gene: PKD1 (polycystin 1, transient receptor potential channel interacting; minus strand). Cytogenetic location: 16p13.3.
Variant type: Insertion.
Coding change: c.735_736insCTTG on transcript NM_001009944.3 (MANE Select); coding-DNA positions 735 to 736, CTTG inserted.
Protein change: p.Ser246fs; shifts the reading frame from serine 246.
Molecular consequence: frameshift variant.
Genome position: GRCh38 VCF-style: chr16-2118256-A-ACAAG. GRCh37 (hg19) VCF-style: chr16-2168257-A-ACAAG.
Other names: c.735_736insCTTG, p.Ser246fs (NM_000296.4); short protein forms S246fs.
Identifiers: ClinVar variation 5018522 (VCV005018522.1).